The following is an entry in ClinVar:

ClinVar aggregate classification (germline): Pathogenic (1 of 4 stars; one submission).

Conditions:
Charcot-Marie-Tooth disease type 2. Also called: Charcot-Marie-Tooth type 2. Identifiers: Orphanet 64746, MedGen C0270914, MONDO:0018993.

Submission:

Labcorp Genetics (formerly Invitae), Labcorp
Classification: Pathogenic for Charcot-Marie-Tooth disease type 2. Last evaluated: 2025-01-11. Review status: criteria provided, single submitter. Criteria: Invitae Variant Classification Sherloc (09022015). Collection method: clinical testing. Allele origin: germline.
Comment: This sequence change creates a premature translational stop signal (p.Gly325Alafs*9) in the MFN2 gene. It is expected to result in an absent or disrupted protein product. Loss-of-function variants in MFN2 are known to be pathogenic (PMID: 16714318, 16835246, 21715711, 23781337, 26955893). This variant is present in population databases (no rsID available, gnomAD 0.0009%). This premature translational stop signal has been observed in individual(s) with clinical features of Charcot-Marie-Tooth disease (PMID: 28215760). ClinVar contains an entry for this variant (Variation ID: 2202704). Algorithms developed to predict the effect of sequence changes on RNA splicing suggest that this variant may disrupt the consensus splice site. For these reasons, this variant has been classified as Pathogenic.

Literature cited by the submitters: PubMed 16714318; PubMed 16835246; PubMed 21715711; PubMed 23781337; PubMed 26955893; PubMed 28215760.

NC_000001.11:g.12001772del

Gene: MFN2 (mitofusin 2; plus strand). Cytogenetic location: 1p36.22.
Variant type: Deletion.
Genome position: GRCh38 VCF-style: chr1-12001767-AG-A. GRCh37 (hg19) VCF-style: chr1-12061824-AG-A.
Identifiers: ClinVar variation 2202704 (VCV002202704.5), dbSNP rs1286723655, ClinGen allele CA521455940.